The following is an entry in ClinVar:

ClinVar aggregate classification (germline): Uncertain significance (1 of 4 stars; one submission).

Conditions:
Familial cancer of breast. Also called: Hereditary breast cancer; hereditary breast carcinoma; BREAST CANCER, FAMILIAL. Identifiers: Orphanet 227535, MedGen C0346153, MONDO:0016419, OMIM 114480. Disease mechanism: loss of function.

Submission:

Labcorp Genetics (formerly Invitae), Labcorp
Classification: Uncertain significance for Familial cancer of breast. Last evaluated: 2024-09-12. Review status: criteria provided, single submitter. Criteria: Invitae Variant Classification Sherloc (09022015). Collection method: clinical testing. Allele origin: germline.
Comment: This sequence change replaces glycine, which is neutral and non-polar, with alanine, which is neutral and non-polar, at codon 1104 of the PALB2 protein (p.Gly1104Ala). This variant is not present in population databases (gnomAD no frequency). This variant has not been reported in the literature in individuals affected with PALB2-related conditions. An algorithm developed to predict the effect of missense changes on protein structure and function (PolyPhen-2) suggests that this variant is likely to be tolerated. In summary, the available evidence is currently insufficient to determine the role of this variant in disease. Therefore, it has been classified as a Variant of Uncertain Significance.

NM_024675.4(PALB2):c.3311G>C (p.Gly1104Ala)

Gene: PALB2 (partner and localizer of BRCA2; minus strand). Cytogenetic location: 16p12.2.
Variant type: single nucleotide variant.
Coding change: c.3311G>C on transcript NM_024675.4 (MANE Select); coding-DNA position 3311, G replaced by C.
Protein change: p.Gly1104Ala; replaces glycine 1104 with alanine.
Molecular consequence: missense variant. On other transcripts: intron variant (8).
Genome position (GRCh38, 1-based): chr16:23,607,903, C>G on the plus strand (G>C on the coding strand, the complement: PALB2 is on the minus strand). VCF-style: chr16-23607903-C-G. GRCh37 (hg19) VCF-style: chr16-23619224-C-G.
Other names: c.3251G>C, p.Gly1084Ala (NM_001407296.1); c.3239G>C, p.Gly1080Ala (NM_001407297.1); c.3149G>C, p.Gly1050Ala (NM_001407298.1); c.3032G>C, p.Gly1011Ala (NM_001407300.1); c.2426G>C, p.Gly809Ala (NM_001407304.1, NM_001407305.1, NM_001407306.1); c.2264G>C, p.Gly755Ala (NM_001407307.1); c.1523G>C, p.Gly508Ala (NM_001407312.1); c.845G>C, p.Gly282Ala (NM_001407314.1); and 6 more; short protein forms G1050A, G1080A, G1084A, G1011A, G1104A, G809A, G508A, G282A.
Identifiers: ClinVar variation 3730191 (VCV003730191.2).